The following is an entry in ClinVar:

NM_000257.4(MYH7):c.4954-14C>T

Genes: MHRT (myosin heavy chain associated RNA transcript; plus strand), MYH7 (myosin heavy chain 7; minus strand), LOC126861897 (BRD4-independent group 4 enhancer GRCh37_chr14:23884455-23885654; plus strand). Cytogenetic location: 14q11.2.
Variant type: single nucleotide variant.
Coding change: c.4954-14C>T on transcript NM_000257.4 (MANE Select); 14 bases into the intron before coding-DNA position 4954, C replaced by T.
Molecular consequence: intron variant.
Genome position (GRCh38, 1-based): chr14:23,415,846, G>A on the plus strand (C>T on the coding strand, the complement: MYH7 is on the minus strand). VCF-style: chr14-23415846-G-A. GRCh37 (hg19) VCF-style: chr14-23885055-G-A.
Other names: c.4954-14C>T (LRG_384t1).
Identifiers: ClinVar variation 518202 (VCV000518202.5), dbSNP rs727505070, ClinGen allele CA658798172.

ClinVar aggregate classification (germline): Likely benign. Review status: criteria provided, multiple submitters, no conflicts (2 of 4 stars). 3 submissions from 3 submitters: Likely benign (3). Last evaluated 2024-05-30.

Conditions:
Cardiomyopathy (CMYO). Also called: Cardiomyopathies. Identifiers: Orphanet 167848, MedGen C0878544, MONDO:0004994, HP:0001638. Inheritance: Various modes of inheritance.
Hypertrophic cardiomyopathy. Also called: HYPERTROPHIC MYOCARDIOPATHY. Identifiers: Orphanet 217569, MedGen C0007194, MeSH D002312, MONDO:0005045, HP:0001639.

Allele frequency attached by ClinVar (database versions not stated): TOPMed below 0.00001.
gnomAD v4.1: 1 of 1,614,204 alleles (0.000062%); no homozygotes.

Submissions (3):

All of Us Research Program, National Institutes of Health
Classification: Likely benign for Cardiomyopathy. Last evaluated: 2024-05-30. Review status: criteria provided, single submitter. Criteria: ACMG Guidelines, 2015. Collection method: clinical testing. Allele origin: germline. Inheritance: Autosomal dominant inheritance. Observed: 1 variant allele, 1 heterozygote.
Comment: This study involves interpretation of variants in research participants for the purpose of population health screening. Participant phenotype was not available at the time of variant classification. Additional details can be found in publication PMID: 35346344, PMCID: PMC8962531

Labcorp Genetics (formerly Invitae), Labcorp
Classification: Likely benign for Hypertrophic cardiomyopathy. Last evaluated: 2023-10-08. Review status: criteria provided, single submitter. Criteria: Invitae Variant Classification Sherloc (09022015). Collection method: clinical testing. Allele origin: germline.

GeneDx
Classification: Likely benign. Last evaluated: 2017-06-30. Review status: criteria provided, single submitter. Criteria: GeneDx Variant Classification (06012015). Collection method: clinical testing. Allele origin: germline. Affected: yes.
Comment: This variant is considered likely benign or benign based on one or more of the following criteria: it is a conservative change, it occurs at a poorly conserved position in the protein, it is predicted to be benign by multiple in silico algorithms, and/or has population frequency not consistent with disease.